The following is an entry in ClinVar:

NM_017617.5(NOTCH1):c.2291A>G (p.Asn764Ser)

Gene: NOTCH1 (notch receptor 1; minus strand). Cytogenetic location: 9q34.3.
Variant type: single nucleotide variant.
Coding change: c.2291A>G on transcript NM_017617.5 (MANE Select); coding-DNA position 2291, A replaced by G.
Protein change: p.Asn764Ser; replaces asparagine 764 with serine.
Molecular consequence: missense variant.
Genome position (GRCh38, 1-based): chr9:136,513,454, T>C on the plus strand (A>G on the coding strand, the complement: NOTCH1 is on the minus strand). VCF-style: chr9-136513454-T-C. GRCh37 (hg19) VCF-style: chr9-139407906-T-C.
Other names: c.2291A>G, p.Asn764Ser (LRG_1122t1); short protein forms N764S.
Identifiers: ClinVar variation 477893 (VCV000477893.15), dbSNP rs1454630791, ClinGen allele CA375557079.
Genomic context (GRCh38, chr9:136,513,454, plus strand): 5'-CTGAAGCCCTCCCGGCAGGTGCACACGTAGCCACTGGTCATGTCTTTGCAGGTGCCGCCG[T>C]TGACACAAGGGTTGGATTCACACTCATTGTTGTTGATGTCACAGTTGGTCCCACTCCACC-3'
Protein context (NP_060087.3, residues 754-774): NNECESNPCV[Asn764Ser]GGTCKDMTSG

ClinVar aggregate classification (germline): Conflicting classifications of pathogenicity. Review status: criteria provided, conflicting classifications (1 of 4 stars). 6 submissions from 5 submitters: Uncertain significance (5); Likely benign (1). Last evaluated 2025-05-12.

Conditions:
Aortic valve disease 1 (AOVD1). Identifiers: MedGen C3887892, MONDO:0024523, OMIM 109730.
Adams-Oliver syndrome 5 (AOS5). Identifiers: Orphanet 974, MedGen C4014970, MONDO:0014459, OMIM 616028.
Familial thoracic aortic aneurysm and aortic dissection (TAAD). Also called: Thoracic aortic aneurysms and dissections. Identifiers: Orphanet 91387, MedGen C4707243, MONDO:0019625.

Allele frequency attached by ClinVar (database versions not stated): gnomAD exomes below 0.00001 and 0.00001; TOPMed below 0.00001.
gnomAD v4.1: 19 of 1,613,202 alleles (0.0012%); highest among the groups gnomAD compares: Non-Finnish European, 0.0015%; no homozygotes.

Submissions (6):

GeneDx
Classification: Uncertain significance. Last evaluated: 2025-05-12. Review status: criteria provided, single submitter. Criteria: GeneDx Variant Classification Process June 2021. Collection method: clinical testing. Allele origin: germline. Affected: yes.
Comment: Not observed at significant frequency in large population cohorts (gnomAD); In silico analysis supports that this missense variant has a deleterious effect on protein structure/function; Has not been previously published as pathogenic or benign to our knowledge

Labcorp Genetics (formerly Invitae), Labcorp
Classification: Likely benign for Adams-Oliver syndrome 5. Last evaluated: 2022-09-01. Review status: criteria provided, single submitter. Criteria: Invitae Variant Classification Sherloc (09022015). Collection method: clinical testing. Allele origin: germline.

Genome-Nilou Lab
Classification: Uncertain significance for Adams-Oliver syndrome 5. Last evaluated: 2022-03-15. Review status: criteria provided, single submitter. Criteria: ACMG Guidelines, 2015. Collection method: clinical testing. Allele origin: germline. Affected: no.

Genome-Nilou Lab
Classification: Uncertain significance for Aortic valve disease 1. Last evaluated: 2022-03-15. Review status: criteria provided, single submitter. Criteria: ACMG Guidelines, 2015. Collection method: clinical testing. Allele origin: germline. Affected: no.

Ambry Genetics
Classification: Uncertain significance for Familial thoracic aortic aneurysm and aortic dissection. Last evaluated: 2022-01-30. Review status: criteria provided, single submitter. Criteria: Ambry Variant Classification Scheme 2023. Collection method: clinical testing. Allele origin: germline.
Comment: The p.N764S variant (also known as c.2291A>G), located in coding exon 14 of the NOTCH1 gene, results from an A to G substitution at nucleotide position 2291. The asparagine at codon 764 is replaced by serine, an amino acid with highly similar properties. This amino acid position is conserved. In addition, the in silico prediction for this alteration is inconclusive. Since supporting evidence is limited at this time, the clinical significance of this alteration remains unclear.

AiLife Diagnostics
Classification: Uncertain significance. Last evaluated: 2021-11-15. Review status: criteria provided, single submitter. Criteria: ACMG Guidelines, 2015. Collection method: clinical testing. Allele origin: germline. Affected: yes. Observed: 1 variant allele.